The following is an entry in ClinVar:

NM_017763.6(RNF43):c.2309-5T>C

Gene: RNF43 (ring finger protein 43; minus strand). Cytogenetic location: 17q22.
Variant type: single nucleotide variant.
Coding change: c.2309-5T>C on transcript NM_017763.6 (MANE Select); 5 bases into the intron before coding-DNA position 2309, T replaced by C.
Molecular consequence: intron variant.
Genome position (GRCh38, 1-based): chr17:58,354,991, A>G on the plus strand (T>C on the coding strand, the complement: RNF43 is on the minus strand). VCF-style: chr17-58354991-A-G. GRCh37 (hg19) VCF-style: chr17-56432352-A-G.
Other names: c.2309-5T>C (NM_001438822.1, NM_001305544.3); c.1928-5T>C (NM_001305545.2).
Identifiers: ClinVar variation 4875685 (VCV004875685.1).

ClinVar aggregate classification (germline): Likely benign (1 of 4 stars; one submission).

Conditions:
Sessile serrated polyposis cancer syndrome (SSPCS). Identifiers: Orphanet 157798, MedGen C4310714, MONDO:0014919, OMIM 617108.

Submission:

Myriad Genetics, Inc.
Classification: Likely benign for Sessile serrated polyposis cancer syndrome. Last evaluated: 2026-06-26. Review status: criteria provided, single submitter. Criteria: Myriad Autosomal Dominant, Autosomal Recessive and X-Linked Classification Criteria (2023). Collection method: clinical testing. Allele origin: unknown.
Comment: This variant is considered likely benign. This variant is intronic and is not expected to impact mRNA splicing.